The following is an entry in ClinVar:

ClinVar aggregate classification (germline): Pathogenic/Likely pathogenic. Review status: criteria provided, multiple submitters, no conflicts (2 of 4 stars). 10 submissions from 10 submitters: Pathogenic (9); Likely pathogenic (1). Last evaluated 2025-06-11.

Conditions:
TCF4-related disorder. Also called: TCF4-related condition.
Pitt-Hopkins syndrome (PTHS). Also called: MENTAL RETARDATION, SYNDROMAL, WITH INTERMITTENT HYPERVENTILATION; ENCEPHALOPATHY, SEVERE EPILEPTIC, WITH AUTONOMIC DYSFUNCTION. Identifiers: Orphanet 2896, MedGen C1970431, MONDO:0012589, OMIM 610954.
Inborn genetic diseases. Identifiers: MedGen C0950123, MeSH D030342.

Submissions (10):

3billion
Classification: Pathogenic for Pitt-Hopkins syndrome. Last evaluated: 2025-06-11. Review status: criteria provided, single submitter. Criteria: ACMG Guidelines, 2015. Collection method: clinical testing. Allele origin: germline. Affected: yes.
Comment: The variant is not observed in the gnomAD v4.1.0 dataset. Predicted Consequence/Location: Stop-gained (nonsense): predicted to result in a loss or disruption of normal protein function through nonsense-mediated decay (NMD) or protein truncation. Multiple pathogenic variants are reported downstream of the variant. The variant has been observed in at least two similarly affected unrelated individuals (PMID: 22045651). The variant has been reported at least twice as pathogenic with clinical assertions and evidence for the classification (ClinVar ID: VCV000430016 /PMID: 22045651). Therefore, this variant is classified as Pathogenic according to the recommendation of ACMG/AMP guideline.

Blueprint Genetics
Classification: Pathogenic for TCF4-related disorders. Last evaluated: 2024-07-03. Review status: criteria provided, single submitter. Criteria: ACMG Guidelines, 2015. Collection method: clinical testing. Allele origin: de novo. Affected: yes. Observed: 1 variant allele.

GeneDx
Classification: Pathogenic. Last evaluated: 2023-10-04. Review status: criteria provided, single submitter. Criteria: GeneDx Variant Classification Process June 2021. Collection method: clinical testing. Allele origin: germline. Affected: yes.
Comment: Not observed in large population cohorts (gnomAD); Nonsense variant in the C-terminus predicted to result in protein truncation, as the last 46 amino acids are lost, and other loss-of-function variants have been reported downstream in the Human Gene Mutation Database (HGMD); This variant is associated with the following publications: (PMID: 22045651, 22460224, 29604340, 31440721)

Ambry Genetics
Classification: Pathogenic for Inborn genetic diseases. Last evaluated: 2023-02-14. Review status: criteria provided, single submitter. Criteria: Ambry Variant Classification Scheme 2023. Collection method: clinical testing. Allele origin: germline.
Comment: The c.1876C>T (p.R626*) alteration, located in exon 18 (coding exon 17) of the TCF4 gene, consists of a C to T substitution at nucleotide position 1876. This changes the amino acid from an arginine (R) to a stop codon at amino acid position 626. This alteration is expected to result in loss of function by premature protein truncation or nonsense-mediated mRNA decay. This variant was not reported in population-based cohorts in the Genome Aggregation Database (gnomAD). This variant has been identified in multiple individuals with clinical features of Pitt-Hopkins syndrome (Liu, 2018; Whalen, 2012). Based on the available evidence, this alteration is classified as pathogenic.

Labcorp Genetics (formerly Invitae), Labcorp
Classification: Pathogenic for Pitt-Hopkins syndrome. Last evaluated: 2022-09-30. Review status: criteria provided, single submitter. Criteria: Invitae Variant Classification Sherloc (09022015). Collection method: clinical testing. Allele origin: germline.
Comment: For these reasons, this variant has been classified as Pathogenic. ClinVar contains an entry for this variant (Variation ID: 430016). This premature translational stop signal has been observed in individual(s) with Pitt–Hopkins Syndrome (PMID: 22045651). This variant is not present in population databases (gnomAD no frequency). This sequence change creates a premature translational stop signal (p.Arg626*) in the TCF4 gene. It is expected to result in an absent or disrupted protein product. Loss-of-function variants in TCF4 are known to be pathogenic (PMID: 18728071, 22045651).

Clinical Genetics Laboratory, Skane University Hospital Lund
Classification: Pathogenic. Last evaluated: 2022-05-27. Review status: criteria provided, single submitter. Criteria: ACMG Guidelines, 2015. Collection method: clinical testing. Allele origin: germline. Affected: yes.

MVZ Martinsried, Medicover Genetics
Classification: Pathogenic for Pitt-Hopkins syndrome. Last evaluated: 2022-04-05. Review status: criteria provided, single submitter. Criteria: ACGS Guidelines, 2020. Collection method: clinical testing. Allele origin: de novo. Affected: yes.

Foundation for Research in Genetics and Endocrinology, FRIGE's Institute of Human Genetics
Classification: Pathogenic for Pitt-Hopkins syndrome. Last evaluated: 2020-12-23. Review status: criteria provided, single submitter. Criteria: ACMG Guidelines, 2015. Collection method: research. Allele origin: de novo. Inheritance: Autosomal dominant inheritance. Affected: yes. Observed: 1 heterozygote.
Comment: A heterozygous nonsense variation in exon 19 of the TCF4 gene that results in a stop codon and premature truncation of the protein at codon 728 was detected. The observed variant c.2182C>T (p.Arg728Ter) has not been reported in the 1000 genomes and gnomAD databases. The in silico prediction of the variant is damaging by MutationTaster2. The reference codon is conserved across species. Segregation analysis showed this variant to be de novo. In summary, the variant meets our criteria to be classified as a pathogenic variant.

Institute of Medical Genetics and Applied Genomics, University Hospital Tübingen
Classification: Pathogenic. Last evaluated: 2020-10-23. Review status: criteria provided, single submitter. Criteria: ACMG Guidelines, 2015. Collection method: clinical testing. Allele origin: germline. Inheritance: Unknown mechanism. Affected: yes.

Center for Human Genetics, Inc
Classification: Likely pathogenic for Pitt-Hopkins syndrome. Last evaluated: 2016-11-01. Review status: criteria provided, single submitter. Criteria: ACMG Guidelines, 2015. Collection method: clinical testing. Allele origin: germline. Affected: yes.

Literature cited by the submitters: PubMed 22045651 (cited by 3 submitters); PubMed 29604340 (cited by Ambry Genetics); PubMed 18728071 (cited by Labcorp Genetics (formerly Invitae), Labcorp).

NM_001083962.2(TCF4):c.1876C>T (p.Arg626Ter)

Gene: TCF4 (transcription factor 4; minus strand). Cytogenetic location: 18q21.2.
Variant type: single nucleotide variant.
Coding change: c.1876C>T on transcript NM_001083962.2 (MANE Select); coding-DNA position 1876, C replaced by T.
Protein change: p.Arg626Ter; replaces arginine 626 with a stop codon.
Molecular consequence: nonsense.
Genome position (GRCh38, 1-based): chr18:55,228,850, G>A on the plus strand (C>T on the coding strand, the complement: TCF4 is on the minus strand). VCF-style: chr18-55228850-G-A. GRCh37 (hg19) VCF-style: chr18-52896081-G-A.
Other names: p.Arg728Ter; c.2182C>T, p.Arg728Ter (NM_001243226.3); c.1804C>T, p.Arg602Ter (NM_001243227.2, NM_001348217.1, NM_001348218.2 and 1 more transcripts); c.1894C>T, p.Arg632Ter (NM_001243228.2); c.1855C>T, p.Arg619Ter (NM_001243230.2); c.1738C>T, p.Arg580Ter (NM_001243231.2); c.1663C>T, p.Arg555Ter (NM_001243232.1); c.1474C>T, p.Arg492Ter (NM_001243233.2, NM_001348212.2); and 16 more; short protein forms R626*, R462*, R551*, R584*, R597*, R601*, R603*, R625*.
Identifiers: ClinVar variation 430016 (VCV000430016.21), dbSNP rs1131691735, ClinGen allele CA402528067.
Genomic context (GRCh38, chr18:55,228,850, plus strand): 5'-GCTTGTGCCTGCCACAAGCTCCTCACGAGCTCTGCAAGGAGGCTGGCCTGCACTGACCTC[G>A]GACTTGCTGCTCCAGACTGAGGATGACGGCCACCGCCTGGTGGAGGATCAGGAGCTTGGT-3'